The following is an entry in ClinVar:

NM_001122659.3(EDNRB):c.155C>T (p.Thr52Ile)

Gene: EDNRB (endothelin receptor type B; minus strand). Cytogenetic location: 13q22.3.
Variant type: single nucleotide variant.
Coding change: c.155C>T on transcript NM_001122659.3 (MANE Select); coding-DNA position 155, C replaced by T.
Protein change: p.Thr52Ile; replaces threonine 52 with isoleucine.
Molecular consequence: missense variant.
Genome position (GRCh38, 1-based): chr13:77,918,419, G>A on the plus strand (C>T on the coding strand, the complement: EDNRB is on the minus strand). VCF-style: chr13-77918419-G-A. GRCh37 (hg19) VCF-style: chr13-78492554-G-A.
Other names: c.155C>T, p.Thr52Ile (NM_000115.5, NM_003991.4); c.425C>T, p.Thr142Ile (NM_001201397.2); short protein forms T52I, T142I.
Identifiers: ClinVar variation 1977565 (VCV001977565.5), dbSNP rs139997339, ClinGen allele CA253049872.
Genomic context (GRCh38, chr13:77,918,419, plus strand): 5'-GGCACCTCCGCAGGTGCCAACGACCGCGCCAGACTGGCGTTGGAACCCTTGGGCCATAAG[G>A]TCTTAGTGGGTGGCGTCATTATCTCTGCGGTTTGCAAAAGCGGAGTGGCCCTGTCAGGCG-3'
Protein context (NP_001116131.1, residues 42-62): TAEIMTPPTK[Thr52Ile]LWPKGSNASL

ClinVar aggregate classification (germline): Uncertain significance (1 of 4 stars; one submission).

Allele frequency attached by ClinVar (database versions not stated): gnomAD exomes 0.00001; TOPMed 0.00002; ESP Exome Variant Server 0.00008.
gnomAD v4.1: 4 of 1,580,544 alleles (0.00025%); highest among the groups gnomAD compares: Non-Finnish European, 0.00034%; no homozygotes.

Submission:

Labcorp Genetics (formerly Invitae), Labcorp
Classification: Uncertain significance. Last evaluated: 2022-08-02. Review status: criteria provided, single submitter. Criteria: Invitae Variant Classification Sherloc (09022015). Collection method: clinical testing. Allele origin: germline.
Comment: This variant has not been reported in the literature in individuals affected with EDNRB-related conditions. This variant is not present in population databases (gnomAD no frequency). This sequence change replaces threonine, which is neutral and polar, with isoleucine, which is neutral and non-polar, at codon 52 of the EDNRB protein (p.Thr52Ile). Algorithms developed to predict the effect of missense changes on protein structure and function output the following: SIFT: "Tolerated"; PolyPhen-2: "Benign"; Align-GVGD: "Class C0". The isoleucine amino acid residue is found in multiple mammalian species, which suggests that this missense change does not adversely affect protein function. In summary, the available evidence is currently insufficient to determine the role of this variant in disease. Therefore, it has been classified as a Variant of Uncertain Significance.